The following is an entry in ClinVar:

NM_000321.3(RB1):c.1274T>C (p.Ile425Thr)

Gene: RB1 (RB transcriptional corepressor 1; plus strand). Cytogenetic location: 13q14.2.
Variant type: single nucleotide variant.
Coding change: c.1274T>C on transcript NM_000321.3 (MANE Select); coding-DNA position 1274, T replaced by C.
Protein change: p.Ile425Thr; replaces isoleucine 425 with threonine.
Molecular consequence: missense variant.
Genome position (GRCh38, 1-based): chr13:48,376,976, T>C. VCF-style: chr13-48376976-T-C. GRCh37 (hg19) VCF-style: chr13-48951112-T-C.
Other names: c.1274T>C, p.Ile425Thr (NM_001407165.1, NM_001407166.1); short protein forms I425T.
Identifiers: ClinVar variation 2445308 (VCV002445308.6), dbSNP rs1464633359, ClinGen allele CA388162064.

ClinVar aggregate classification (germline): Conflicting classifications of pathogenicity. Review status: criteria provided, conflicting classifications (1 of 4 stars). 3 submissions from 3 submitters: Uncertain significance (2); Benign (1). Last evaluated 2024-05-08.

Conditions:
Hereditary cancer-predisposing syndrome. Also called: Neoplastic Syndromes, Hereditary; Hereditary Cancer Syndrome; Tumor predisposition; Hereditary neoplastic syndrome. Identifiers: Orphanet 140162, MedGen C0027672, MeSH D009386, MONDO:0015356.
Ovarian cancer. Also called: OVARIAN CANCER, SOMATIC. Identifiers: Orphanet 213500, MedGen C1140680, MONDO:0008170, OMIM 167000.
Retinoblastoma (RB1). Also called: RETINOBLASTOMA, SOMATIC. Identifiers: Orphanet 790, MedGen C0035335, MeSH D012175, MONDO:0008380, OMIM 180200, HP:0009919. Disease mechanism: loss of function. Inheritance: Both sporadic and heritable forms are tested..

Allele frequency attached by ClinVar (database versions not stated): TOPMed below 0.00001.

Submissions (3):

Ambry Genetics
Classification: Uncertain significance for Hereditary cancer-predisposing syndrome. Last evaluated: 2024-05-08. Review status: criteria provided, single submitter. Criteria: Ambry Variant Classification Scheme 2023. Collection method: clinical testing. Allele origin: germline.
Comment: The p.I425T variant (also known as c.1274T>C), located in coding exon 13 of the RB1 gene, results from a T to C substitution at nucleotide position 1274. The isoleucine at codon 425 is replaced by threonine, an amino acid with similar properties. This amino acid position is well conserved in available vertebrate species. In addition, the in silico prediction for this alteration is inconclusive. Based on the available evidence, the clinical significance of this variant remains unclear.

Labcorp Genetics (formerly Invitae), Labcorp
Classification: Uncertain significance for Retinoblastoma. Last evaluated: 2023-06-16. Review status: criteria provided, single submitter. Criteria: Invitae Variant Classification Sherloc (09022015). Collection method: clinical testing. Allele origin: germline.
Comment: In summary, the available evidence is currently insufficient to determine the role of this variant in disease. Therefore, it has been classified as a Variant of Uncertain Significance. Advanced modeling of protein sequence and biophysical properties (such as structural, functional, and spatial information, amino acid conservation, physicochemical variation, residue mobility, and thermodynamic stability) performed at Invitae indicates that this missense variant is not expected to disrupt RB1 protein function. ClinVar contains an entry for this variant (Variation ID: 2445308). This variant has not been reported in the literature in individuals affected with RB1-related conditions. This variant is not present in population databases (gnomAD no frequency). This sequence change replaces isoleucine, which is neutral and non-polar, with threonine, which is neutral and polar, at codon 425 of the RB1 protein (p.Ile425Thr).

Laboratory of Molecular Epidemiology of Birth Defects, West China Second University Hospital, Sichuan University
Classification: Benign for Ovarian cancer. Last evaluated: 2022-01-01. Review status: criteria provided, single submitter. Criteria: ACMG Guidelines, 2015. Collection method: clinical testing. Allele origin: germline. Affected: yes.